The following is an entry in ClinVar:

NM_144643.4(SCLT1):c.766A>G (p.Met256Val)

Gene: SCLT1 (sodium channel and clathrin linker 1; minus strand). Cytogenetic location: 4q28.2.
Variant type: single nucleotide variant.
Coding change: c.766A>G on transcript NM_144643.4 (MANE Select); coding-DNA position 766, A replaced by G.
Protein change: p.Met256Val; replaces methionine 256 with valine.
Molecular consequence: missense variant.
Genome position (GRCh38, 1-based): chr4:128,970,389, T>C on the plus strand (A>G on the coding strand, the complement: SCLT1 is on the minus strand). VCF-style: chr4-128970389-T-C. GRCh37 (hg19) VCF-style: chr4-129891544-T-C.
Other names: short protein forms M256V.
Identifiers: ClinVar variation 1351187 (VCV001351187.8), dbSNP rs2126032741, ClinGen allele CA358189232.

ClinVar aggregate classification (germline): Uncertain significance (1 of 4 stars; one submission).

Submission:

Labcorp Genetics (formerly Invitae), Labcorp
Classification: Uncertain significance. Last evaluated: 2022-02-03. Review status: criteria provided, single submitter. Criteria: Invitae Variant Classification Sherloc (09022015). Collection method: clinical testing. Allele origin: germline.
Comment: This sequence change replaces methionine, which is neutral and non-polar, with valine, which is neutral and non-polar, at codon 256 of the SCLT1 protein (p.Met256Val). This variant is not present in population databases (gnomAD no frequency). This variant has not been reported in the literature in individuals affected with SCLT1-related conditions. Algorithms developed to predict the effect of missense changes on protein structure and function (SIFT, PolyPhen-2, Align-GVGD) all suggest that this variant is likely to be tolerated. Algorithms developed to predict the effect of sequence changes on RNA splicing suggest that this variant may create or strengthen a splice site. In summary, the available evidence is currently insufficient to determine the role of this variant in disease. Therefore, it has been classified as a Variant of Uncertain Significance.